The following is an entry in ClinVar:

NM_001943.5(DSG2):c.1705C>T (p.Gln569Ter)

Gene: DSG2 (desmoglein 2; plus strand). Cytogenetic location: 18q12.1.
Variant type: single nucleotide variant.
Coding change: c.1705C>T on transcript NM_001943.5 (MANE Select); coding-DNA position 1705, C replaced by T.
Protein change: p.Gln569Ter; replaces glutamine 569 with a stop codon.
Molecular consequence: nonsense.
Genome position (GRCh38, 1-based): chr18:31,538,804, C>T. VCF-style: chr18-31538804-C-T. GRCh37 (hg19) VCF-style: chr18-29118767-C-T.
Other names: short protein forms Q569*.
Identifiers: ClinVar variation 1353815 (VCV001353815.6), dbSNP rs2144346522, ClinGen allele CA402137117.

ClinVar aggregate classification (germline): Pathogenic (1 of 4 stars; one submission).

Conditions:
Arrhythmogenic right ventricular dysplasia 10. Also called: ARRHYTHMOGENIC RIGHT VENTRICULAR DYSPLASIA, FAMILIAL, 10; Arrhythmogenic right ventricular dysplasia/cardiomyopathy, type 10; Arrhythmogenic Right Ventricular Dysplasia/Cardiomyopathy10. Identifiers: MedGen C1857777, MONDO:0012434, OMIM 610193.

Submission:

Labcorp Genetics (formerly Invitae), Labcorp
Classification: Pathogenic for Arrhythmogenic right ventricular dysplasia 10. Last evaluated: 2022-08-21. Review status: criteria provided, single submitter. Criteria: Invitae Variant Classification Sherloc (09022015). Collection method: clinical testing. Allele origin: germline.
Comment: This variant is not present in population databases (gnomAD no frequency). ClinVar contains an entry for this variant (Variation ID: 1353815). This variant has not been reported in the literature in individuals affected with DSG2-related conditions. This sequence change creates a premature translational stop signal (p.Gln569*) in the DSG2 gene. It is expected to result in an absent or disrupted protein product. Loss-of-function variants in DSG2 are known to be pathogenic (PMID: 17105751, 31386562). For these reasons, this variant has been classified as Pathogenic. Algorithms developed to predict the effect of sequence changes on RNA splicing suggest that this variant may disrupt the consensus splice site.

Literature cited by the submitters: PubMed 17105751; PubMed 31386562.